The following is an entry in ClinVar:

NM_002618.4(PEX13):c.478G>C (p.Ala160Pro)

Gene: PEX13 (peroxisomal biogenesis factor 13; plus strand). Cytogenetic location: 2p15.
Variant type: single nucleotide variant.
Coding change: c.478G>C on transcript NM_002618.4 (MANE Select); coding-DNA position 478, G replaced by C.
Protein change: p.Ala160Pro; replaces alanine 160 with proline.
Molecular consequence: missense variant.
Genome position (GRCh38, 1-based): chr2:61,031,804, G>C. VCF-style: chr2-61031804-G-C. GRCh37 (hg19) VCF-style: chr2-61258939-G-C.
Other names: short protein forms A160P.
Identifiers: ClinVar variation 581276 (VCV000581276.8), dbSNP rs1559035602, ClinGen allele CA346942935.

ClinVar aggregate classification (germline): Uncertain significance (1 of 4 stars; one submission).

Conditions:
Peroxisome biogenesis disorder 11A (Zellweger). Also called: Peroxisome biogenesis disorder 11A. Identifiers: Orphanet 912, MedGen C3554000, MONDO:0013949, OMIM 614883.

Submission:

Labcorp Genetics (formerly Invitae), Labcorp
Classification: Uncertain significance for Peroxisome biogenesis disorder 11A (Zellweger). Last evaluated: 2017-12-12. Review status: criteria provided, single submitter. Criteria: Invitae Variant Classification Sherloc (09022015). Collection method: clinical testing. Allele origin: germline.
Comment: This sequence change replaces alanine with proline at codon 160 of the PEX13 protein (p.Ala160Pro). The alanine residue is highly conserved and there is a small physicochemical difference between alanine and proline. This variant is not present in population databases (ExAC no frequency). This variant has not been reported in the literature in individuals with PEX13-related disease. Algorithms developed to predict the effect of missense changes on protein structure and function do not agree on the potential impact of this missense change (SIFT: "Deleterious"; PolyPhen-2: "Probably Damaging"; Align-GVGD: "Class C0"). In summary, the available evidence is currently insufficient to determine the role of this variant in disease. Therefore, it has been classified as a Variant of Uncertain Significance.